The following is an entry in ClinVar:

NM_000348.4(SRD5A2):c.548-13C>T

Gene: SRD5A2 (steroid 5 alpha-reductase 2; minus strand). Cytogenetic location: 2p23.1.
Variant type: single nucleotide variant.
Coding change: c.548-13C>T on transcript NM_000348.4 (MANE Select); 13 bases into the intron before coding-DNA position 548, C replaced by T.
Molecular consequence: intron variant.
Genome position (GRCh38, 1-based): chr2:31,529,470, G>A on the plus strand (C>T on the coding strand, the complement: SRD5A2 is on the minus strand). VCF-style: chr2-31529470-G-A. GRCh37 (hg19) VCF-style: chr2-31754540-G-A.
Identifiers: ClinVar variation 515399 (VCV000515399.4), dbSNP rs563086989, ClinGen allele CA1599898.

ClinVar aggregate classification (germline): Benign/Likely benign. Review status: criteria provided, multiple submitters, no conflicts (2 of 4 stars). 2 submissions from 2 submitters: Benign (1); Likely benign (1). Last evaluated 2026-01-28.

Conditions:
3-Oxo-5 alpha-steroid delta 4-dehydrogenase deficiency (PPSH). Also called: PSEUDOVAGINAL PERINEOSCROTAL HYPOSPADIAS; MALE PSEUDOHERMAPHRODITISM DUE TO 5-ALPHA-REDUCTASE DEFICIENCY; FAMILIAL INCOMPLETE MALE PSEUDOHERMAPHRODITISM, TYPE 2; 46,XY disorder of sex development due to 5-alpha-reductase 2 deficiency. Identifiers: Orphanet 753, MedGen C0268297, MONDO:0009923, OMIM 264600. Disease mechanism: loss of function.

Allele frequency attached by ClinVar (database versions not stated): gnomAD below 0.00001 and 0.00015; gnomAD exomes 0.00060 and 0.00028; ExAC 0.00079; 1000 Genomes Project 30x 0.00141; TOPMed 0.00001; 1000 Genomes Project 0.00180.
gnomAD v4.1: 437 of 1,609,620 alleles (0.027%); highest among the groups gnomAD compares: South Asian, 0.46%; 3 homozygotes.

Submissions (2):

Labcorp Genetics (formerly Invitae), Labcorp
Classification: Benign for 3-Oxo-5 alpha-steroid delta 4-dehydrogenase deficiency. Last evaluated: 2026-01-28. Review status: criteria provided, single submitter. Criteria: Invitae Variant Classification Sherloc (09022015). Collection method: clinical testing. Allele origin: germline.

GeneDx
Classification: Likely benign. Last evaluated: 2018-02-02. Review status: criteria provided, single submitter. Criteria: GeneDx Variant Classification (06012015). Collection method: clinical testing. Allele origin: germline. Affected: yes.
Comment: This variant is considered likely benign or benign based on one or more of the following criteria: it is a conservative change, it occurs at a poorly conserved position in the protein, it is predicted to be benign by multiple in silico algorithms, and/or has population frequency not consistent with disease.